The following is an entry in ClinVar:

NM_005876.5(SPEG):c.905C>G (p.Pro302Arg)

Gene: SPEG (striated muscle enriched protein kinase; plus strand). Cytogenetic location: 2q35.
Variant type: single nucleotide variant.
Coding change: c.905C>G on transcript NM_005876.5 (MANE Select); coding-DNA position 905, C replaced by G.
Protein change: p.Pro302Arg; replaces proline 302 with arginine.
Molecular consequence: missense variant.
Genome position (GRCh38, 1-based): chr2:219,448,063, C>G. VCF-style: chr2-219448063-C-G. GRCh37 (hg19) VCF-style: chr2-220312785-C-G.
Other names: short protein forms P302R.
Identifiers: ClinVar variation 2478483 (VCV002478483.4), dbSNP rs763477062, ClinGen allele CA2125614.

ClinVar aggregate classification (germline): Uncertain significance. Review status: criteria provided, multiple submitters, no conflicts (2 of 4 stars). 3 submissions from 3 submitters: Uncertain significance (3). Last evaluated 2025-09-30.

Conditions:
Inborn genetic diseases. Identifiers: MedGen C0950123, MeSH D030342.

Allele frequency attached by ClinVar (database versions not stated): gnomAD exomes 0.00004; ExAC 0.00010.
gnomAD v4.1: 72 of 1,610,958 alleles (0.0045%); highest among the groups gnomAD compares: Non-Finnish European, 0.005%; no homozygotes.

Submissions (3):

Labcorp Genetics (formerly Invitae), Labcorp
Classification: Uncertain significance. Last evaluated: 2025-09-30. Review status: criteria provided, single submitter. Criteria: Invitae Variant Classification Sherloc (09022015). Collection method: clinical testing. Allele origin: germline.
Comment: This sequence change replaces proline, which is neutral and non-polar, with arginine, which is basic and polar, at codon 302 of the SPEG protein (p.Pro302Arg). This variant is present in population databases (rs763477062, gnomAD 0.01%). This variant has not been reported in the literature in individuals affected with SPEG-related conditions. ClinVar contains an entry for this variant (Variation ID: 2478483). An algorithm developed to predict the effect of missense changes on protein structure and function (PolyPhen-2) suggests that this variant is likely to be tolerated. In summary, the available evidence is currently insufficient to determine the role of this variant in disease. Therefore, it has been classified as a Variant of Uncertain Significance.

Blueprint Genetics
Classification: Uncertain significance. Last evaluated: 2023-09-08. Review status: criteria provided, single submitter. Criteria: ACMG Guidelines, 2015. Collection method: clinical testing. Allele origin: germline.

Ambry Genetics
Classification: Uncertain significance for Inborn genetic diseases. Last evaluated: 2023-01-24. Review status: criteria provided, single submitter. Criteria: Ambry Variant Classification Scheme 2023. Collection method: clinical testing. Allele origin: germline.